The following is an entry in ClinVar:

NM_005359.6(SMAD4):c.1549_1550del (p.Ser517fs)

Gene: SMAD4 (SMAD family member 4; plus strand). Cytogenetic location: 18q21.2.
Variant type: Microsatellite.
Coding change: c.1549_1550del on transcript NM_005359.6 (MANE Select); coding-DNA positions 1549 to 1550, 2 bases deleted (AG; older notation c.1549_1550delAG).
Protein change: p.Ser517fs; shifts the reading frame from serine 517.
Molecular consequence: frameshift variant.
Genome position (GRCh38, 1-based): chr18:51,078,357-51,078,358, AG deleted; deleting any 2 consecutive bases within chr18:51,078,355-51,078,358 gives the same sequence; the c. name uses the placement nearest the transcript's 3' end. VCF-style (leftmost placement, unchanged base first): chr18-51078354-CAG-C. GRCh37 (hg19) VCF-style: chr18-48604724-CAG-C.
Other names: c.1549_1550del (NM_005359.5); c.1549_1550delAG (NM_005359.5); short protein forms S517fs.
Identifiers: ClinVar variation 545806 (VCV000545806.57), dbSNP rs377767373, ClinGen allele CA645609195.
Genomic context (GRCh38, chr18:51,078,354, plus strand): 5'-CGTCGCTTATGCATACTCAGGATGAGTTTTGTGAAAGGCTGGGGACCGGATTACCCAAGA[CAG>C]AGCATCAAAGAAACACCTTGCTGGATTGAAATTCACTTACACCGGGCCCTCCAGCTCCTA-3'

ClinVar aggregate classification (germline): Pathogenic/Likely pathogenic. Review status: criteria provided, multiple submitters, no conflicts (2 of 4 stars). 6 submissions from 6 submitters: Pathogenic (3); Likely pathogenic (3). Last evaluated 2025-12-27.

Conditions:
Hereditary cancer-predisposing syndrome. Also called: Hereditary neoplastic syndrome; Tumor predisposition; Neoplastic Syndromes, Hereditary; Hereditary Cancer Syndrome. Identifiers: Orphanet 140162, MedGen C0027672, MeSH D009386, MONDO:0015356.
Familial thoracic aortic aneurysm and aortic dissection (TAAD). Also called: Thoracic aortic aneurysms and dissections. Identifiers: Orphanet 91387, MedGen C4707243, MONDO:0019625.
Juvenile polyposis syndrome (JPS). Identifiers: Orphanet 2929, MedGen C0345893, MONDO:0017380, OMIM 174900.
Juvenile polyposis/hereditary hemorrhagic telangiectasia syndrome (JPHT). Also called: Juvenile Polyposis Syndrome / Hereditary Hemorrhagic Telangiectasia (JPS/HHT); JP/HHT SYNDROME; JUVENILE POLYPOSIS WITH HEREDITARY HEMORRHAGIC TELANGIECTASIA; POLYPOSIS, GENERALIZED JUVENILE, WITH PULMONARY ARTERIOVENOUS MALFORMATION; TELANGIECTASIA, HEREDITARY HEMORRHAGIC, WITH JUVENILE POLYPOSIS COLI. Identifiers: Orphanet 2929, MedGen C1832942, MONDO:0008278, OMIM 175050.

Submissions (6):

Labcorp Genetics (formerly Invitae), Labcorp
Classification: Pathogenic for Juvenile polyposis syndrome. Last evaluated: 2025-12-27. Review status: criteria provided, single submitter. Criteria: Invitae Variant Classification Sherloc (09022015). Collection method: clinical testing. Allele origin: germline.
Comment: This sequence change creates a premature translational stop signal (p.Ser517Hisfs*9) in the SMAD4 gene. While this is not anticipated to result in nonsense mediated decay, it is expected to disrupt the last 36 amino acid(s) of the SMAD4 protein. This variant is not present in population databases (gnomAD no frequency). This variant has not been reported in the literature in individuals affected with SMAD4-related conditions. ClinVar contains an entry for this variant (Variation ID: 545806). This variant disrupts a region of the SMAD4 protein in which other variant(s) (p.Ala532Profs*5) have been determined to be pathogenic (PMID: 15031030). This suggests that this is a clinically significant region of the protein, and that variants that disrupt it are likely to be disease-causing. For these reasons, this variant has been classified as Pathogenic.

Ambry Genetics
Classification: Pathogenic for Hereditary cancer-predisposing syndrome; Familial thoracic aortic aneurysm and aortic dissection. Last evaluated: 2025-04-16. Review status: criteria provided, single submitter. Criteria: Ambry Variant Classification Scheme 2023. Collection method: clinical testing. Allele origin: germline.
Comment: The c.1549_1550delAG pathogenic mutation, located in coding exon 11 of the SMAD4 gene, results from a deletion of two nucleotides at nucleotide positions 1549 to 1550, causing a translational frameshift with a predicted alternate stop codon (p.S517Hfs*9). This alteration occurs at the 3' terminus of theSMAD4 gene, is not expected to trigger nonsense-mediated mRNA decay, and impacts the last 6.5% of the protein. However, premature stop codons are typically deleterious in nature, the impacted region is critical for protein function, and a significant portion of the protein is affected (Ambry internal data). This variant was reported in individual(s) with features consistent with Juvenile polyposis/hereditary hemorrhagic telangiectasia syndrome (Ambry internal data). This variant is considered to be rare based on population cohorts in the Genome Aggregation Database (gnomAD). Based on the supporting evidence, this variant is interpreted as a disease-causing mutation.

Myriad Genetics, Inc.
Classification: Pathogenic for Juvenile polyposis/hereditary hemorrhagic telangiectasia syndrome. Last evaluated: 2024-12-23. Review status: criteria provided, single submitter. Criteria: Myriad Autosomal Dominant, Autosomal Recessive and X-Linked Classification Criteria (2023). Collection method: clinical testing. Allele origin: unknown.
Comment: This variant is considered pathogenic. This variant creates a frameshift predicted to result in premature protein truncation.

Quest Diagnostics Nichols Institute San Juan Capistrano
Classification: Likely pathogenic. Last evaluated: 2024-11-15. Review status: criteria provided, single submitter. Criteria: Quest Diagnostics criteria. Collection method: clinical testing. Allele origin: unknown.
Comment: The SMAD4 c.1549_1550del (p.Ser517Hisfs*9) variant alters the translational reading frame of the SMAD4 mRNA and is predicted to cause the premature termination of SMAD4 protein synthesis. This variant has not been reported in individuals with SMAD4-related conditions in the published literature. However, it has been reported as a somatic variant in a pancreatic tumor (PMID: 25855536 (2015)). This variant has not been reported in large, multi-ethnic general populations (Genome Aggregation Database). Based on the available information, this variant is classified as likely pathogenic.

Baylor Genetics
Classification: Likely pathogenic for Juvenile polyposis/hereditary hemorrhagic telangiectasia syndrome. Last evaluated: 2023-08-20. Review status: criteria provided, single submitter. Criteria: ACMG Guidelines, 2015. Collection method: clinical testing. Allele origin: unknown.

GeneDx
Classification: Likely pathogenic. Last evaluated: 2017-07-25. Review status: criteria provided, single submitter. Criteria: GeneDx Variant Classification (06012015). Collection method: clinical testing. Allele origin: germline. Affected: yes.
Comment: This deletion of two nucleotides in SMAD4 is denoted c.1549_1550delAG at the cDNA level and p.Ser517HisfsX9 (S517HfsX9) at the protein level. The normal sequence, with the bases that are deleted in brackets, is ACAG[delAG]CATC. The deletion causes a frameshift which changes a Serine to a Histidine at codon 517, and creates a premature stop codon at position 9 of the new reading frame. This variant is predicted to cause loss of normal protein function through protein truncation. SMAD4 Ser517HisfsX9, also known as c.(1546-1548)CAGfs using alternate nomenclature, has not, to our knowledge, been published in the literature as a germline variant; however, it has been reported as a somatic variant in a pancreatic tumor (Witkiewicz 2015). Based on the currently available information, we consider this deletion to be a likely pathogenic variant.

Literature cited by the submitters: PubMed 15031030 (cited by Labcorp Genetics (formerly Invitae), Labcorp); PubMed 25855536 (cited by Quest Diagnostics Nichols Institute San Juan Capistrano).